The following is an entry in ClinVar:

NM_004408.4(DNM1):c.1153C>T (p.Arg385Ter)

Gene: DNM1 (dynamin 1; plus strand). Cytogenetic location: 9q34.11.
Variant type: single nucleotide variant.
Coding change: c.1153C>T on transcript NM_004408.4 (MANE Select); coding-DNA position 1153, C replaced by T.
Protein change: p.Arg385Ter; replaces arginine 385 with a stop codon.
Molecular consequence: nonsense.
Genome position (GRCh38, 1-based): chr9:128,222,817, C>T. VCF-style: chr9-128222817-C-T. GRCh37 (hg19) VCF-style: chr9-130985096-C-T.
Other names: c.1153C>T, p.Arg385Ter (NM_001005336.3, NM_001288737.2, NM_001288738.2 and 2 more transcripts); short protein forms R385*.
Identifiers: ClinVar variation 1027645 (VCV001027645.8), dbSNP rs1835102166, ClinGen allele CA375016594.

ClinVar aggregate classification (germline): Conflicting classifications of pathogenicity. Review status: criteria provided, conflicting classifications (1 of 4 stars). 2 submissions from 2 submitters: Uncertain significance (1); Likely benign (1). Last evaluated 2023-05-24.

Conditions:
Developmental and epileptic encephalopathy, 31A. Also called: Epileptic encephalopathy, early infantile, 31; Developmental and epileptic encephalopathy, 31. Identifiers: Orphanet 2382, MedGen C4225357, MONDO:0014598, OMIM 616346.

Submissions (2):

Labcorp Genetics (formerly Invitae), Labcorp
Classification: Likely benign for Developmental and epileptic encephalopathy, 31A. Last evaluated: 2023-05-24. Review status: criteria provided, single submitter. Criteria: Invitae Variant Classification Sherloc (09022015). Collection method: clinical testing. Allele origin: germline.

Breda Genetics srl
Classification: Uncertain significance for Developmental and epileptic encephalopathy, 31A. Last evaluated: 2020-10-30. Review status: criteria provided, single submitter. Criteria: ACMG Guidelines, 2015. Collection method: clinical testing. Allele origin: germline. Inheritance: Autosomal dominant inheritance. Affected: yes. Observed: 1 variant allele, 1 heterozygote.
Comment: The variant c.1153C>T (p.Arg385*) in the DNM1 gene creates a premature stop codon at amino acid position 385, which is likely to result in a truncated protein or protein loss due to nonsense-mediated messenger decay (NMD). This variant has not been reported in dbSNP, gnomAD, 1000 Genomes Project or ClinVar. According to von Spiczak et al. (2017), it is likely that mutations in the DNM1 gene exert the pathogenic effect through a dominant negative mechanism rather than through loss-of-function (PMID: 28667181). At least four nonsense variants for the DNM1 gene have so far been deposited in ClinVar, each with the following different clinical interpretations: benign, uncertain/benign, uncertain, likely pathogenic. Therefore, despite its predicted impact as nonsense mutation, we interpret this variant as of uncertain significance, without excluding the possibility that itâ€™s actually a rare benign variant.

Literature cited by the submitters: PubMed 28667181 (cited by Breda Genetics srl).